The following is an entry in ClinVar:

NM_020436.5(SALL4):c.1600G>A (p.Gly534Ser)

Gene: SALL4 (spalt like transcription factor 4; minus strand). Cytogenetic location: 20q13.2.
Variant type: single nucleotide variant.
Coding change: c.1600G>A on transcript NM_020436.5 (MANE Select); coding-DNA position 1600, G replaced by A.
Protein change: p.Gly534Ser; replaces glycine 534 with serine.
Molecular consequence: missense variant. On other transcripts: intron variant (1).
Genome position (GRCh38, 1-based): chr20:51,790,883, C>T on the plus strand (G>A on the coding strand, the complement: SALL4 is on the minus strand). VCF-style: chr20-51790883-C-T. GRCh37 (hg19) VCF-style: chr20-50407422-C-T.
Other names: c.1150+450G>A (NM_001318031.2); short protein forms G534S.
Identifiers: ClinVar variation 4773008 (VCV004773008.1).

ClinVar aggregate classification (germline): Uncertain significance (1 of 4 stars; one submission).

Conditions:
Duane-radial ray syndrome (DRRS). Also called: Duane-Radial Ray Syndrome (DRRS) / Okihiro Syndrome; ACRORENOOCULAR SYNDROME; DR SYNDROME; DUANE ANOMALY WITH RADIAL RAY ABNORMALITIES AND DEAFNESS; Okihiro Syndrome; Duane-Radial Ray Syndrome/Okihiro Syndrome. Identifiers: Orphanet 93293, Orphanet 959, MedGen C1623209, MONDO:0011812, OMIM 607323. Disease mechanism: gain of function.

gnomAD v4.1: 1 of 1,614,138 alleles (0.000062%); highest among the groups gnomAD compares: African/African-American, 0.0013%; no homozygotes.

Submission:

Labcorp Genetics (formerly Invitae), Labcorp
Classification: Uncertain significance for Duane-radial ray syndrome. Last evaluated: 2025-06-12. Review status: criteria provided, single submitter. Criteria: Invitae Variant Classification Sherloc (09022015). Collection method: clinical testing. Allele origin: germline.
Comment: This sequence change replaces glycine, which is neutral and non-polar, with serine, which is neutral and polar, at codon 534 of the SALL4 protein (p.Gly534Ser). This variant is not present in population databases (gnomAD no frequency). This variant has not been reported in the literature in individuals affected with SALL4-related conditions. An algorithm developed to predict the effect of missense changes on protein structure and function outputs the following: PolyPhen-2: "Benign". The serine amino acid residue is found in multiple mammalian species, which suggests that this missense change does not adversely affect protein function. In summary, the available evidence is currently insufficient to determine the role of this variant in disease. Therefore, it has been classified as a Variant of Uncertain Significance.